The following is an entry in ClinVar:

ClinVar aggregate classification (germline): Uncertain significance. Review status: criteria provided, multiple submitters, no conflicts (2 of 4 stars). 3 submissions from 3 submitters: Uncertain significance (3). Last evaluated 2025-06-18.

Conditions:
Hereditary cancer-predisposing syndrome. Also called: Hereditary Cancer Syndrome; Hereditary neoplastic syndrome; Tumor predisposition; Neoplastic Syndromes, Hereditary. Identifiers: Orphanet 140162, MedGen C0027672, MeSH D009386, MONDO:0015356.
Hereditary breast ovarian cancer syndrome. Also called: Hereditary breast and ovarian cancer syndrome; Breast and ovarian cancer; Hereditary breast and ovarian cancer; Hereditary breast and/or ovarian cancer syndrome; Hereditary breast and ovarian cancer syndrome (HBOC); BRCA1- and BRCA2-Associated Hereditary Breast and Ovarian Cancer. Identifiers: Orphanet 145, MedGen C0677776, MeSH D061325, MONDO:0003582. Disease mechanism: loss of function.

Submissions (3):

Ambry Genetics
Classification: Uncertain significance for Hereditary cancer-predisposing syndrome. Last evaluated: 2025-06-18. Review status: criteria provided, single submitter. Criteria: Ambry Variant Classification Scheme 2023. Collection method: clinical testing. Allele origin: germline.
Comment: The p.Y748D variant (also known as c.2242T>G), located in coding exon 10 of the BRCA2 gene, results from a T to G substitution at nucleotide position 2242. The tyrosine at codon 748 is replaced by aspartic acid, an amino acid with highly dissimilar properties. This amino acid position is conserved. In addition, this alteration is predicted to be tolerated by in silico analysis. Based on the available evidence, the clinical significance of this variant remains unclear.

Quest Diagnostics Nichols Institute San Juan Capistrano
Classification: Uncertain significance. Last evaluated: 2024-09-25. Review status: criteria provided, single submitter. Criteria: Quest Diagnostics criteria. Collection method: clinical testing. Allele origin: unknown.
Comment: The BRCA2 c.2242T>G (p.Tyr748Asp) variant has not been reported in individuals with BRCA2-related conditions in the published literature. It also has not been reported in large, multi-ethnic general populations (Genome Aggregation Database). Analysis of this variant using bioinformatics tools for the prediction of the effect of amino acid changes on protein structure and function yielded predictions that this variant is benign. Based on the available information, we are unable to determine the clinical significance of this variant.

Labcorp Genetics (formerly Invitae), Labcorp
Classification: Uncertain significance for Hereditary breast ovarian cancer syndrome. Last evaluated: 2024-07-16. Review status: criteria provided, single submitter. Criteria: Invitae Variant Classification Sherloc (09022015). Collection method: clinical testing. Allele origin: germline.
Comment: This sequence change replaces tyrosine, which is neutral and polar, with aspartic acid, which is acidic and polar, at codon 748 of the BRCA2 protein (p.Tyr748Asp). This variant is not present in population databases (gnomAD no frequency). This variant has not been reported in the literature in individuals affected with BRCA2-related conditions. Advanced modeling of protein sequence and biophysical properties (such as structural, functional, and spatial information, amino acid conservation, physicochemical variation, residue mobility, and thermodynamic stability) performed at Invitae indicates that this missense variant is not expected to disrupt BRCA2 protein function with a negative predictive value of 95%. In summary, the available evidence is currently insufficient to determine the role of this variant in disease. Therefore, it has been classified as a Variant of Uncertain Significance.

NM_000059.4(BRCA2):c.2242T>G (p.Tyr748Asp)

Gene: BRCA2 (BRCA2 DNA repair associated; plus strand). Cytogenetic location: 13q13.1.
Variant type: single nucleotide variant.
Coding change: c.2242T>G on transcript NM_000059.4 (MANE Select); coding-DNA position 2242, T replaced by G.
Protein change: p.Tyr748Asp; replaces tyrosine 748 with aspartic acid.
Molecular consequence: missense variant. On other transcripts: non-coding transcript variant (1), intron variant (2).
Genome position (GRCh38, 1-based): chr13:32,336,597, T>G. VCF-style: chr13-32336597-T-G. GRCh37 (hg19) VCF-style: chr13-32910734-T-G.
Other names: c.2242T>G, p.Tyr748Asp (NM_001406719.1, NM_001406720.1, NM_001432077.1); c.1909+3210T>G (NM_001406721.1); c.424+5567T>G (NM_001406722.1); short protein forms Y748D.
Identifiers: ClinVar variation 3572347 (VCV003572347.4).
Genomic context (GRCh38, chr13:32,336,597, plus strand): 5'-GATATAAAAGAAGAGGTCTTGGCTGCAGCATGTCACCCAGTACAACATTCAAAAGTGGAA[T>G]ACAGTGATACTGACTTTCAATCCCAGAAAAGTCTTTTATATGATCATGAAAATGCCAGCA-3'
Protein context (NP_000050.3, residues 738-758): CHPVQHSKVE[Tyr748Asp]SDTDFQSQKS